The following is an entry in ClinVar:

ClinVar aggregate classification (germline): Uncertain significance (1 of 4 stars; one submission).

Conditions:
PRMT9-associated neurodevelopmental disorder.

gnomAD v4.1: 1 of 1,613,974 alleles (0.000062%); highest among the groups gnomAD compares: Non-Finnish European, 0.000085%; no homozygotes.

Submission:

Institute of Human Genetics, University of Leipzig Medical Center
Classification: Uncertain significance for PRMT9-associated neurodevelopmental disorder. Last evaluated: 2026-05-19. Review status: criteria provided, single submitter. Criteria: ACMG Guidelines, 2015. Collection method: clinical testing. Allele origin: inherited. Inheritance: Autosomal recessive inheritance. Affected: yes.
Comment: Criteria applied: PM2,PM3,PP3

Literature cited by the submitters: PubMed 41260215.

NM_138364.4(PRMT9):c.509T>C (p.Ile170Thr)

Gene: PRMT9 (protein arginine methyltransferase 9; minus strand). Cytogenetic location: 4q31.23.
Variant type: single nucleotide variant.
Coding change: c.509T>C on transcript NM_138364.4 (MANE Select); coding-DNA position 509, T replaced by C.
Protein change: p.Ile170Thr; replaces isoleucine 170 with threonine.
Molecular consequence: missense variant. On other transcripts: 5 prime UTR variant (2), intron variant (1).
Genome position (GRCh38, 1-based): chr4:147,673,704, A>G on the plus strand (T>C on the coding strand, the complement: PRMT9 is on the minus strand). VCF-style: chr4-147673704-A-G. GRCh37 (hg19) VCF-style: chr4-148594855-A-G.
Other names: c.170T>C, p.Ile57Thr (NM_001304458.2, NM_001350142.2); c.-906T>C (NM_001350141.2); c.-711T>C (NM_001350144.2); c.-305-578T>C (NM_001350143.2); short protein forms I170T, I57T.
Identifiers: ClinVar variation 4857425 (VCV004857425.1).